The following is an entry in ClinVar:

ClinVar aggregate classification (germline): Uncertain significance (1 of 4 stars; one submission).

Conditions:
Multiple endocrine neoplasia, type 2 (MEN2). Identifiers: Orphanet 653, MedGen C4048306, MONDO:0019003. Disease mechanism: gain of function.

Submission:

Labcorp Genetics (formerly Invitae), Labcorp
Classification: Uncertain significance for Multiple endocrine neoplasia, type 2. Last evaluated: 2019-01-22. Review status: criteria provided, single submitter. Criteria: Invitae Variant Classification Sherloc (09022015). Collection method: clinical testing. Allele origin: germline.
Comment: This variant has not been reported in the literature in individuals with RET-related conditions. In summary, the available evidence is currently insufficient to determine the role of this variant in disease. Therefore, it has been classified as a Variant of Uncertain Significance. Algorithms developed to predict the effect of missense changes on protein structure and function are either unavailable or do not agree on the potential impact of this missense change (SIFT: "Tolerated"; PolyPhen-2: "Probably Damaging"; Align-GVGD: "Class C0"). This variant is not present in population databases (ExAC no frequency). This sequence change replaces glutamic acid with lysine at codon 505 of the RET protein (p.Glu505Lys). The glutamic acid residue is moderately conserved and there is a small physicochemical difference between glutamic acid and lysine.

NM_020975.6(RET):c.1513G>A (p.Glu505Lys)

Gene: RET (ret proto-oncogene; plus strand). Cytogenetic location: 10q11.21.
Variant type: single nucleotide variant.
Coding change: c.1513G>A on transcript NM_020975.6 (MANE Select); coding-DNA position 1513, G replaced by A.
Protein change: p.Glu505Lys; replaces glutamic acid 505 with lysine.
Molecular consequence: missense variant.
Genome position (GRCh38, 1-based): chr10:43,111,456, G>A. VCF-style: chr10-43111456-G-A. GRCh37 (hg19) VCF-style: chr10-43606904-G-A.
Other names: c.1513G>A, p.Glu505Lys (NM_000323.2, NM_001406743.1, NM_001406744.1 and 6 more transcripts); c.751G>A, p.Glu251Lys (NM_001355216.2); c.1384G>A, p.Glu462Lys (NM_001406761.1, NM_001406762.1, NM_001406764.1 and 1 more transcripts); c.1225G>A, p.Glu409Lys (NM_001406766.1, NM_001406767.1, NM_001406770.1); c.1117G>A, p.Glu373Lys (NM_001406769.1, NM_001406772.1); c.1075G>A, p.Glu359Lys (NM_001406771.1, NM_001406773.1); c.988G>A, p.Glu330Lys (NM_001406774.1); c.787G>A, p.Glu263Lys (NM_001406775.1, NM_001406776.1, NM_001406777.1 and 1 more transcripts); and 1 more; short protein forms E251K, E505K, E175K, E409K, E462K, E330K, E359K, E373K.
Identifiers: ClinVar variation 852929 (VCV000852929.10), dbSNP rs1837925799, ClinGen allele CA376550021.